The following is an entry in ClinVar:

ClinVar aggregate classification (germline): Likely benign. Review status: criteria provided, single submitter (1 of 4 stars). 2 submissions from 2 submitters: Likely benign (1). 1 of the submissions does not count toward it. Last evaluated 2025-05-07.

Conditions:
CELSR2-related disorder. Also called: CELSR2-related condition.

Allele frequency attached by ClinVar (database versions not stated): TOPMed 0.00003; gnomAD 0.00004; gnomAD exomes 0.00009; ExAC 0.00010.
gnomAD v4.1: 136 of 1,613,294 alleles (0.0084%); highest among the groups gnomAD compares: South Asian, 0.081%; 2 homozygotes.

Submissions (2):

Labcorp Genetics (formerly Invitae), Labcorp
Classification: Likely benign. Last evaluated: 2025-05-07. Review status: criteria provided, single submitter. Criteria: Invitae Variant Classification Sherloc (09022015). Collection method: clinical testing. Allele origin: germline.

PreventionGenetics, part of Exact Sciences
Classification: Likely benign for CELSR2-related condition. Last evaluated: 2019-04-25. Review status: no assertion criteria provided. Collection method: clinical testing. Allele origin: germline. Not counted in ClinVar's aggregate classification.
Comment: This variant is classified as likely benign based on ACMG/AMP sequence variant interpretation guidelines (Richards et al. 2015 PMID: 25741868, with internal and published modifications).

NM_001408.3(CELSR2):c.2178G>A (p.Pro726=)

Gene: CELSR2 (cadherin EGF LAG seven-pass G-type receptor 2; plus strand). Cytogenetic location: 1p13.3.
Variant type: single nucleotide variant.
Coding change: c.2178G>A on transcript NM_001408.3 (MANE Select); coding-DNA position 2178, G replaced by A.
Protein change: p.Pro726=; no amino-acid change (proline 726 retained).
Molecular consequence: synonymous variant.
Genome position (GRCh38, 1-based): chr1:109,252,257, G>A. VCF-style: chr1-109252257-G-A. GRCh37 (hg19) VCF-style: chr1-109794879-G-A.
Identifiers: ClinVar variation 3057599 (VCV003057599.3), dbSNP rs763638740, ClinGen allele CA986700.